The following is an entry in ClinVar:

NM_001009944.3(PKD1):c.728C>T (p.Ala243Val)

Gene: PKD1 (polycystin 1, transient receptor potential channel interacting; minus strand). Cytogenetic location: 16p13.3.
Variant type: single nucleotide variant.
Coding change: c.728C>T on transcript NM_001009944.3 (MANE Select); coding-DNA position 728, C replaced by T.
Protein change: p.Ala243Val; replaces alanine 243 with valine.
Molecular consequence: missense variant.
Genome position (GRCh38, 1-based): chr16:2,118,264, G>A on the plus strand (C>T on the coding strand, the complement: PKD1 is on the minus strand). VCF-style: chr16-2118264-G-A. GRCh37 (hg19) VCF-style: chr16-2168265-G-A.
Other names: c.728C>T, p.Ala243Val (NM_000296.4); short protein forms A243V.
Identifiers: ClinVar variation 3381525 (VCV003381525.1).

ClinVar aggregate classification (germline): Uncertain significance (1 of 4 stars; one submission).

gnomAD v4.1: 4 of 1,533,354 alleles (0.00026%); highest among the groups gnomAD compares: East Asian, 0.0024%; no homozygotes.

Submission:

GeneDx
Classification: Uncertain significance. Last evaluated: 2024-05-20. Review status: criteria provided, single submitter. Criteria: GeneDx Variant Classification Process June 2021. Collection method: clinical testing. Allele origin: germline. Affected: yes.
Comment: Not observed at significant frequency in large population cohorts (gnomAD); In silico analysis indicates that this missense variant does not alter protein structure/function; Has not been previously published as pathogenic or benign to our knowledge